The following is an entry in ClinVar:

NM_052854.4(CREB3L1):c.1373C>T (p.Pro458Leu)

Gene: CREB3L1 (cAMP responsive element binding protein 3 like 1; plus strand). Cytogenetic location: 11p11.2.
Variant type: single nucleotide variant.
Coding change: c.1373C>T on transcript NM_052854.4 (MANE Select); coding-DNA position 1373, C replaced by T.
Protein change: p.Pro458Leu; replaces proline 458 with leucine.
Molecular consequence: missense variant.
Genome position (GRCh38, 1-based): chr11:46,320,378, C>T. VCF-style: chr11-46320378-C-T. GRCh37 (hg19) VCF-style: chr11-46341929-C-T.
Other names: short protein forms P458L.
Identifiers: ClinVar variation 2187384 (VCV002187384.4), dbSNP rs1480523423, ClinGen allele CA380225874.
Genomic context (GRCh38, chr11:46,320,378, plus strand): 5'-GCCGCAGCACCCTGCTGCCCATGGAGCCCCCAGATGGCTGGGAAATCAACCCCGGGGGGC[C>T]GGCAGAGCAGCGGCCCCGGGACCACCTGCAGCATGATCACCTGGACAGCACCCACGAGAC-3'
Protein context (NP_443086.1, residues 448-468): PDGWEINPGG[Pro458Leu]AEQRPRDHLQ

ClinVar aggregate classification (germline): Uncertain significance (1 of 4 stars; one submission).

Allele frequency attached by ClinVar (database versions not stated): gnomAD exomes below 0.00001; TOPMed below 0.00001.
gnomAD v4.1: 4 of 1,610,640 alleles (0.00025%); highest among the groups gnomAD compares: South Asian, 0.0011%; no homozygotes.

Submission:

Labcorp Genetics (formerly Invitae), Labcorp
Classification: Uncertain significance. Last evaluated: 2022-03-14. Review status: criteria provided, single submitter. Criteria: Invitae Variant Classification Sherloc (09022015). Collection method: clinical testing. Allele origin: germline.
Comment: This variant has not been reported in the literature in individuals affected with CREB3L1-related conditions. This sequence change replaces proline, which is neutral and non-polar, with leucine, which is neutral and non-polar, at codon 458 of the CREB3L1 protein (p.Pro458Leu). The frequency data for this variant in the population databases is considered unreliable, as metrics indicate poor data quality at this position in the gnomAD database. Algorithms developed to predict the effect of missense changes on protein structure and function are either unavailable or do not agree on the potential impact of this missense change (SIFT: "Deleterious"; PolyPhen-2: "Benign"; Align-GVGD: "Class C0"). In summary, the available evidence is currently insufficient to determine the role of this variant in disease. Therefore, it has been classified as a Variant of Uncertain Significance.